The following is an entry in ClinVar:

NM_015557.3(CHD5):c.350A>G (p.Asp117Gly)

Gene: CHD5 (chromodomain helicase DNA binding protein 5; minus strand). Cytogenetic location: 1p36.31.
Variant type: single nucleotide variant.
Coding change: c.350A>G on transcript NM_015557.3 (MANE Select); coding-DNA position 350, A replaced by G.
Protein change: p.Asp117Gly; replaces aspartic acid 117 with glycine.
Molecular consequence: missense variant.
Genome position (GRCh38, 1-based): chr1:6,159,373, T>C on the plus strand (A>G on the coding strand, the complement: CHD5 is on the minus strand). VCF-style: chr1-6159373-T-C. GRCh37 (hg19) VCF-style: chr1-6219433-T-C.
Other names: short protein forms D117G.
Identifiers: ClinVar variation 5019615 (VCV005019615.2).

ClinVar aggregate classification (germline): Uncertain significance (1 of 4 stars; one submission).

Conditions:
Parenti-mignot neurodevelopmental syndrome. Identifiers: MedGen C5676984, MONDO:0859249, OMIM 619873.

Submission:

Juno Genomics, Hangzhou Juno Genomics, Inc
Classification: Uncertain significance for Parenti-mignot neurodevelopmental syndrome. Review status: criteria provided, single submitter. Criteria: ACMG Guidelines, 2015. Collection method: clinical testing. Allele origin: germline.
Comment: Absent from controls (or at extremely low frequency if recessive) in Genome Aggregation Database.;Multiple lines of computational evidence support a deleterious effect on the gene or gene product.;Missense variant in a gene that has a low rate of benign missense variation.